The following is an entry in ClinVar:

ClinVar aggregate classification (germline): Likely pathogenic (1 of 4 stars; one submission).

Conditions:
Intellectual disability, autosomal dominant 16 (CSS4). Also called: COFFIN-SIRIS SYNDROME 4. Identifiers: Orphanet 1465, MedGen C3553249, MONDO:0013821, OMIM 614609.

Submission:

Institute of Human Genetics, University of Leipzig Medical Center
Classification: Likely pathogenic for Intellectual disability, autosomal dominant 16. Last evaluated: 2025-03-31. Review status: criteria provided, single submitter. Criteria: ACMG Guidelines, 2015. Collection method: clinical testing. Allele origin: de novo. Inheritance: Autosomal dominant inheritance. Affected: yes.
Comment: Criteria applied: PS2_MOD,PM2,PP2,PP3

NM_003072.5(SMARCA4):c.2831A>C (p.Asn944Thr)

Gene: SMARCA4 (SWI/SNF related BAF chromatin remodeling complex subunit ATPase 4; plus strand). Cytogenetic location: 19p13.2.
Variant type: single nucleotide variant.
Coding change: c.2831A>C on transcript NM_003072.5 (MANE Select); coding-DNA position 2831, A replaced by C.
Protein change: p.Asn944Thr; replaces asparagine 944 with threonine.
Molecular consequence: missense variant. On other transcripts: non-coding transcript variant (1).
Genome position (GRCh38, 1-based): chr19:11,021,939, A>C. VCF-style: chr19-11021939-A-C. GRCh37 (hg19) VCF-style: chr19-11132615-A-C.
Other names: c.2831A>C, p.Asn944Thr (NM_001128844.3, NM_001128845.2, NM_001128846.2 and 6 more transcripts); short protein forms N944T.
Identifiers: ClinVar variation 3778711 (VCV003778711.1).